The following is an entry in ClinVar:

ClinVar aggregate classification (germline): Uncertain significance (1 of 4 stars; one submission).

Allele frequency attached by ClinVar (database versions not stated): ExAC 0.00001; TOPMed 0.00001.
gnomAD v4.1: 2 of 1,593,600 alleles (0.00013%); highest among the groups gnomAD compares: Admixed American, 0.0017%; no homozygotes.

Submission:

Labcorp Genetics (formerly Invitae), Labcorp
Classification: Uncertain significance. Last evaluated: 2023-05-23. Review status: criteria provided, single submitter. Criteria: Invitae Variant Classification Sherloc (09022015). Collection method: clinical testing. Allele origin: germline.
Comment: This sequence change falls in intron 5 of the FAM186B gene. It does not directly change the encoded amino acid sequence of the FAM186B protein. It affects a nucleotide within the consensus splice site. The frequency data for this variant in the population databases is considered unreliable, as metrics indicate poor data quality at this position in the gnomAD database. This variant has not been reported in the literature in individuals affected with FAM186B-related conditions. ClinVar contains an entry for this variant (Variation ID: 1951865). Variants that disrupt the consensus splice site are a relatively common cause of aberrant splicing (PMID: 17576681, 9536098). Algorithms developed to predict the effect of sequence changes on RNA splicing suggest that this variant is not likely to affect RNA splicing. In summary, the available evidence is currently insufficient to determine the role of this variant in disease. Therefore, it has been classified as a Variant of Uncertain Significance.

Literature cited by the submitters: PubMed 17576681; PubMed 9536098.

NM_032130.3(FAM186B):c.2364+6C>T

Gene: FAM186B (family with sequence similarity 186 member B; minus strand). Cytogenetic location: 12q13.12.
Variant type: single nucleotide variant.
Coding change: c.2364+6C>T on transcript NM_032130.3 (MANE Select); 6 bases into the intron after coding-DNA position 2364, C replaced by T.
Molecular consequence: intron variant.
Genome position (GRCh38, 1-based): chr12:49,598,749, G>A on the plus strand (C>T on the coding strand, the complement: FAM186B is on the minus strand). VCF-style: chr12-49598749-G-A. GRCh37 (hg19) VCF-style: chr12-49992532-G-A.
Identifiers: ClinVar variation 1951865 (VCV001951865.5), dbSNP rs775358272, ClinGen allele CA6554494.